The following is an entry in ClinVar:

NM_001242896.3(DEPDC5):c.2440A>G (p.Ile814Val)

Gene: DEPDC5 (DEP domain containing 5, GATOR1 subcomplex subunit; plus strand). Cytogenetic location: 22q12.3.
Variant type: single nucleotide variant.
Coding change: c.2440A>G on transcript NM_001242896.3 (MANE Select); coding-DNA position 2440, A replaced by G.
Protein change: p.Ile814Val; replaces isoleucine 814 with valine.
Molecular consequence: missense variant. On other transcripts: non-coding transcript variant (5).
Genome position (GRCh38, 1-based): chr22:31,838,770, A>G. VCF-style: chr22-31838770-A-G. GRCh37 (hg19) VCF-style: chr22-32234756-A-G.
Other names: c.2413A>G, p.Ile805Val (NM_001136029.4, NM_001369903.1, NM_014662.6); c.2206A>G, p.Ile736Val (NM_001242897.2, NM_001363854.2, NM_001364319.2); c.2440A>G, p.Ile814Val (NM_001363852.2, NM_001364318.2, NM_001364320.2); c.2356A>G, p.Ile786Val (NM_001369901.1, NM_001369902.1); short protein forms I814V, I786V, I805V, I736V.
Identifiers: ClinVar variation 2916346 (VCV002916346.3), dbSNP rs1373296459, ClinGen allele CA411286768.

ClinVar aggregate classification (germline): Uncertain significance (1 of 4 stars; one submission).

Conditions:
Familial focal epilepsy with variable foci (FPEVF). Identifiers: Orphanet 98820, MedGen C1858477, MONDO:0020310.

Allele frequency attached by ClinVar (database versions not stated): gnomAD exomes below 0.00001; gnomAD 0.00001; TOPMed 0.00001.
gnomAD v4.1: 4 of 1,614,020 alleles (0.00025%); highest among the groups gnomAD compares: African/African-American, 0.004%; no homozygotes.

Submission:

Labcorp Genetics (formerly Invitae), Labcorp
Classification: Uncertain significance for Familial focal epilepsy with variable foci. Last evaluated: 2024-01-16. Review status: criteria provided, single submitter. Criteria: Invitae Variant Classification Sherloc (09022015). Collection method: clinical testing. Allele origin: germline.
Comment: This sequence change replaces isoleucine, which is neutral and non-polar, with valine, which is neutral and non-polar, at codon 814 of the DEPDC5 protein (p.Ile814Val). This variant is present in population databases (no rsID available, gnomAD 0.02%). This variant has not been reported in the literature in individuals affected with DEPDC5-related conditions. Experimental studies and prediction algorithms are not available or were not evaluated, and the functional significance of this variant is currently unknown. In summary, the available evidence is currently insufficient to determine the role of this variant in disease. Therefore, it has been classified as a Variant of Uncertain Significance.